The following is an entry in ClinVar:

NM_001844.5(COL2A1):c.3489+221_3489+222insGACCCCTGG

Gene: COL2A1 (collagen type II alpha 1 chain; minus strand). Cytogenetic location: 12q13.11.
Variant type: Insertion.
Coding change: c.3489+221_3489+222insGACCCCTGG on transcript NM_001844.5 (MANE Select); bases 221 to 222 of the intron after coding-DNA position 3489, GACCCCTGG inserted.
Molecular consequence: intron variant.
Genome position: GRCh38 VCF-style: chr12-47976292-T-TTCCCAGGGG. GRCh37 (hg19) VCF-style: chr12-48370075-T-TTCCCAGGGG.
Other names: c.3282+221_3282+222insGACCCCTGG (NM_033150.3).
Identifiers: ClinVar variation 679449 (VCV000679449.1), dbSNP rs145571589, ClinGen allele CA236518072.

ClinVar aggregate classification (germline): Benign (1 of 4 stars; one submission).

Submission:

GeneDx
Classification: Benign. Last evaluated: 2018-06-14. Review status: criteria provided, single submitter. Criteria: GeneDx Variant Classification (06012015). Collection method: clinical testing. Allele origin: germline. Affected: yes.
Comment: This variant is considered likely benign or benign based on one or more of the following criteria: it is a conservative change, it occurs at a poorly conserved position in the protein, it is predicted to be benign by multiple in silico algorithms, and/or has population frequency not consistent with disease.